The following is an entry in ClinVar:

ClinVar aggregate classification (germline): Benign. Review status: criteria provided, multiple submitters, no conflicts (2 of 4 stars). 2 submissions from 2 submitters: Benign (2). Last evaluated 2018-06-20.

Allele frequency attached by ClinVar (database versions not stated): gnomAD exomes 0.61151; gnomAD 0.65986 and 0.66049; TOPMed 0.67497; 1000 Genomes Project 0.69908; 1000 Genomes Project 30x 0.70362.
gnomAD v4.1: 347,271 of 555,968 alleles (62%); highest among the groups gnomAD compares: East Asian, 80%; 110,432 homozygotes.

Submissions (2):

GeneDx
Classification: Benign. Last evaluated: 2018-06-20. Review status: criteria provided, single submitter. Criteria: GeneDx Variant Classification (06012015). Collection method: clinical testing. Allele origin: germline. Affected: yes.
Comment: This variant is considered likely benign or benign based on one or more of the following criteria: it is a conservative change, it occurs at a poorly conserved position in the protein, it is predicted to be benign by multiple in silico algorithms, and/or has population frequency not consistent with disease.

Breakthrough Genomics
Classification: Benign. Review status: criteria provided, single submitter. Criteria: ACMG Guidelines, 2015. Collection method: not provided. Allele origin: germline. Inheritance: Autosomal recessive inheritance. Affected: yes.

NM_006231.4(POLE):c.6005-212A>G

Gene: POLE (DNA polymerase epsilon, catalytic subunit; minus strand). Cytogenetic location: 12q24.33.
Variant type: single nucleotide variant.
Coding change: c.6005-212A>G on transcript NM_006231.4 (MANE Select); 212 bases into the intron before coding-DNA position 6005, A replaced by G.
Molecular consequence: intron variant.
Genome position (GRCh38, 1-based): chr12:132,633,007, T>C on the plus strand (A>G on the coding strand, the complement: POLE is on the minus strand). VCF-style: chr12-132633007-T-C. GRCh37 (hg19) VCF-style: chr12-133209593-T-C.
Identifiers: ClinVar variation 679674 (VCV000679674.2), dbSNP rs5745020, ClinGen allele CA13640018.